The following is an entry in ClinVar:

ClinVar aggregate classification (germline): Benign/Likely benign. Review status: criteria provided, multiple submitters, no conflicts (2 of 4 stars). 4 submissions from 4 submitters: Benign (2); Likely benign (1). 1 of the submissions does not count toward it. Last evaluated 2026-09-01.

Conditions:
Autosomal recessive limb-girdle muscular dystrophy type 2W (MDRCMTT). Also called: Muscular dystrophy, limb-girdle, type 2W; Muscular dystrophy, autosomal recessive, with cardiomyopathy and triangular tongue. Identifiers: MedGen C4225192, MONDO:0014788, OMIM 616827.
LIMS2-related disorder. Also called: LIMS2-related condition.

Allele frequency attached by ClinVar (database versions not stated): 1000 Genomes Project 0.00120; 1000 Genomes Project 30x 0.00125; ESP Exome Variant Server 0.00161; gnomAD 0.00181 and 0.00187; TOPMed 0.00188.
gnomAD v4.1: 3,294 of 1,609,554 alleles (0.2%); highest among the groups gnomAD compares: Middle Eastern, 0.45%; 15 homozygotes.

Submissions (4):

CeGaT Center for Human Genetics Tuebingen
Classification: Likely benign. Last evaluated: 2026-09-01. Review status: criteria provided, single submitter. Criteria: CeGaT Center For Human Genetics Tuebingen Variant Classification Criteria Version 2. Collection method: clinical testing. Allele origin: germline. Affected: yes. Observed: 8 variant alleles.
Comment: LIMS2: BP4, BP7

Labcorp Genetics (formerly Invitae), Labcorp
Classification: Benign for Autosomal recessive limb-girdle muscular dystrophy type 2W. Last evaluated: 2026-01-24. Review status: criteria provided, single submitter. Criteria: Invitae Variant Classification Sherloc (09022015). Collection method: clinical testing. Allele origin: germline.

Breakthrough Genomics
Classification: Benign. Review status: criteria provided, single submitter. Criteria: ACMG Guidelines, 2015. Collection method: not provided. Allele origin: germline. Inheritance: Autosomal recessive inheritance. Affected: yes.

PreventionGenetics, part of Exact Sciences
Classification: Benign for LIMS2-related condition. Last evaluated: 2019-08-01. Review status: no assertion criteria provided. Collection method: clinical testing. Allele origin: germline. Not counted in ClinVar's aggregate classification.
Comment: This variant is classified as benign based on ACMG/AMP sequence variant interpretation guidelines (Richards et al. 2015 PMID: 25741868, with internal and published modifications).

NM_001161403.3(LIMS2):c.39C>T (p.Ala13=)

Gene: LIMS2 (LIM zinc finger domain containing 2; minus strand). Cytogenetic location: 2q14.3.
Variant type: single nucleotide variant.
Coding change: c.39C>T on transcript NM_001161403.3 (MANE Select); coding-DNA position 39, C replaced by T.
Protein change: p.Ala13=; no amino-acid change (alanine 13 retained).
Molecular consequence: synonymous variant.
Genome position (GRCh38, 1-based): chr2:127,657,535, G>A on the plus strand (C>T on the coding strand, the complement: LIMS2 is on the minus strand). VCF-style: chr2-127657535-G-A. GRCh37 (hg19) VCF-style: chr2-128415109-G-A.
Other names: c.105C>T, p.Ala35= (NM_001136037.4); c.24C>T, p.Ala8= (NM_001161404.2); c.111C>T, p.Ala37= (NM_017980.5).
Identifiers: ClinVar variation 475544 (VCV000475544.44), dbSNP rs143117627, ClinGen allele CA1863594.
Genomic context (GRCh38, chr2:127,657,535, plus strand): 5'-CCCATTGCTGTTGACAATGCGCTCGGCGGGGGAGAAGCGGGCCTGGCAGCGCTGGCACAC[G>A]GCGTTGGCCAAGGCGTCCGACATATTGCTGGGGGCAGGAGACAGGAGGAGTGAGTCAGAG-3'
Protein context (NP_001154875.1, residues 3-23): GSNMSDALAN[Ala13=]VCQRCQARFS